The following is an entry in ClinVar:

ClinVar aggregate classification (germline): Conflicting classifications of pathogenicity. Review status: criteria provided, conflicting classifications (1 of 4 stars). 7 submissions from 7 submitters: Uncertain significance (3); Benign (1); Likely benign (3). Last evaluated 2026-01-16.

Conditions:
Osteogenesis imperfecta type 11. Also called: Osteogenesis imperfecta, type XI; OI, TYPE XI. Identifiers: Orphanet 666, MedGen C3151218, MONDO:0012592, OMIM 610968.
Osteogenesis imperfecta (OI). Identifiers: Orphanet 666, MedGen C0029434, MeSH D010013, MONDO:0019019.

Allele frequency attached by ClinVar (database versions not stated): ESP Exome Variant Server 0.00015; TOPMed 0.00020; gnomAD 0.00023 and 0.00028; ExAC 0.00052; gnomAD exomes 0.00052; 1000 Genomes Project 30x 0.00078; 1000 Genomes Project 0.00080.
gnomAD v4.1: 487 of 1,614,062 alleles (0.03%); highest among the groups gnomAD compares: Middle Eastern, 0.25%; 4 homozygotes.

Submissions (7):

Labcorp Genetics (formerly Invitae), Labcorp
Classification: Benign. Last evaluated: 2026-01-16. Review status: criteria provided, single submitter. Criteria: Invitae Variant Classification Sherloc (09022015). Collection method: clinical testing. Allele origin: germline.

Blueprint Genetics
Classification: Likely benign. Last evaluated: 2024-09-04. Review status: criteria provided, single submitter. Criteria: ACMG Guidelines, 2015. Collection method: clinical testing. Allele origin: germline.

Women's Health and Genetics/Laboratory Corporation of America, LabCorp
Classification: Likely benign. Last evaluated: 2024-02-22. Review status: criteria provided, single submitter. Criteria: LabCorp Variant Classification Summary - May 2015. Collection method: clinical testing. Allele origin: germline.
Comment: Variant summary: FKBP10 c.850G>A (p.Gly284Arg) results in a non-conservative amino acid change located in the FKBP-type peptidyl-prolyl cis-trans isomerase domain (IPR001179) of the encoded protein sequence. Three of four in-silico tools predict a benign effect of the variant on protein function. The variant allele was found at a frequency of 0.0003 in 1614062 control chromosomes, predominantly at a frequency of 0.0024 within the South Asian subpopulation in the gnomAD database, including 4 homozygotes. The observed variant frequency within South Asian control individuals in the gnomAD database (v4.0.0) is approximately 2 fold of the estimated maximal expected allele frequency for a pathogenic variant in FKBP10 causing Osteogenesis Imperfecta phenotype (0.0011), strongly suggesting that the variant is a benign polymorphism found primarily in populations of South Asian origin. To our knowledge, no occurrence of c.850G>A in individuals affected with Osteogenesis Imperfecta and no experimental evidence demonstrating its impact on protein function have been reported. ClinVar contains an entry for this variant (Variation ID: 618130). Based on the evidence outlined above, the variant was classified as likely benign.

GeneDx
Classification: Likely benign. Last evaluated: 2020-09-01. Review status: criteria provided, single submitter. Criteria: GeneDx Variant Classification Process June 2021. Collection method: clinical testing. Allele origin: germline. Affected: yes.

Genome Diagnostics Laboratory, The Hospital for Sick Children
Classification: Uncertain significance for Osteogenesis imperfecta. Last evaluated: 2018-10-01. Review status: criteria provided, single submitter. Criteria: ACMG Guidelines, 2015. Collection method: clinical testing. Allele origin: germline.

ARUP Laboratories, Molecular Genetics and Genomics, ARUP Laboratories
Classification: Uncertain significance. Last evaluated: 2018-06-27. Review status: criteria provided, single submitter. Criteria: ARUP Molecular Germline Variant Investigation Process. Collection method: clinical testing. Allele origin: germline.
Comment: The FKBP10 c.850G>A; p.Gly284Arg variant (rs372214186), to our knowledge, is not reported in the medical literature or gene specific databases. This variant is found in the general population with an overall allele frequency of 0.05% (138/277000 alleles) in the Genome Aggregation Database. The glycine at codon 284 is weakly conserved and computational analyses (SIFT, PolyPhen-2) predict that this variant is tolerated. However, given the lack of clinical and functional data, the significance of the p.Gly284Arg variant is uncertain at this time.

Illumina Laboratory Services, Illumina
Classification: Uncertain significance for Osteogenesis imperfecta type 11. Last evaluated: 2018-01-12. Review status: criteria provided, single submitter. Criteria: ICSL Variant Classification Criteria 13 December 2019. Collection method: clinical testing. Allele origin: germline.

NM_021939.4(FKBP10):c.850G>A (p.Gly284Arg)

Gene: FKBP10 (FKBP prolyl isomerase 10; plus strand). Cytogenetic location: 17q21.2.
Variant type: single nucleotide variant.
Coding change: c.850G>A on transcript NM_021939.4 (MANE Select); coding-DNA position 850, G replaced by A.
Protein change: p.Gly284Arg; replaces glycine 284 with arginine.
Molecular consequence: missense variant.
Genome position (GRCh38, 1-based): chr17:41,819,332, G>A. VCF-style: chr17-41819332-G-A. GRCh37 (hg19) VCF-style: chr17-39975584-G-A.
Other names: short protein forms G284R.
Identifiers: ClinVar variation 618130 (VCV000618130.28), dbSNP rs372214186, ClinGen allele CA8566387.